The following is an entry in ClinVar:

NM_000342.4(SLC4A1):c.1366G>C (p.Ala456Pro)

Gene: SLC4A1 (solute carrier family 4 member 1 (Diego blood group); minus strand). Cytogenetic location: 17q21.31.
Variant type: single nucleotide variant.
Coding change: c.1366G>C on transcript NM_000342.4 (MANE Select); coding-DNA position 1366, G replaced by C.
Protein change: p.Ala456Pro; replaces alanine 456 with proline.
Molecular consequence: missense variant.
Genome position (GRCh38, 1-based): chr17:44,257,724, C>G on the plus strand (G>C on the coding strand, the complement: SLC4A1 is on the minus strand). VCF-style: chr17-44257724-C-G. GRCh37 (hg19) VCF-style: chr17-42335092-C-G.
Other names: p.Ala456Pro; short protein forms A456P.
Identifiers: ClinVar variation 3380494 (VCV003380494.1).
Genomic context (GRCh38, chr17:44,257,724, plus strand): 5'-AGAAGGCTTCCTCAAACACCAGCAGGGGTCCTGAGAAGCCGACCACAAGCAGGGGCTGAG[C>G]CCCCAGCAGGGCGAAGAGAATGCCCTGCACTGCAGTGGAGATCAGCAGCTCCGACACTCC-3'
Protein context (NP_000333.1, residues 446-466): VQGILFALLG[Ala456Pro]QPLLVVGFSG

ClinVar aggregate classification (germline): Uncertain significance (1 of 4 stars; one submission).

Submission:

Mayo Clinic Laboratories, Mayo Clinic
Classification: Uncertain significance. Last evaluated: 2024-02-26. Review status: criteria provided, single submitter. Criteria: ACMG Guidelines, 2015. Collection method: clinical testing. Allele origin: germline. Observed: 1 variant allele.
Comment: PP3, PM2_moderate